The following is an entry in ClinVar:

ClinVar aggregate classification (germline): Likely benign. Review status: criteria provided, single submitter (1 of 4 stars). 2 submissions from 2 submitters: Likely benign (1). 1 of the submissions does not count toward it. Last evaluated 2026-03-01.

Conditions:
TMPRSS2-related disorder. Also called: TMPRSS2-related condition.

Allele frequency attached by ClinVar (database versions not stated): 1000 Genomes Project 0.00100; 1000 Genomes Project 30x 0.00109; ExAC 0.00158; gnomAD 0.00185; TOPMed 0.00196; ESP Exome Variant Server 0.00215.
gnomAD v4.1: 4,227 of 1,613,844 alleles (0.26%); highest among the groups gnomAD compares: East Asian, 0.47%; 5 homozygotes.

Submissions (2):

CeGaT Center for Human Genetics Tuebingen
Classification: Likely benign. Last evaluated: 2026-03-01. Review status: criteria provided, single submitter. Criteria: CeGaT Center For Human Genetics Tuebingen Variant Classification Criteria Version 2. Collection method: clinical testing. Allele origin: germline. Affected: yes. Observed: 1 variant allele.
Comment: TMPRSS2: BP4, BS2

PreventionGenetics, part of Exact Sciences
Classification: Likely benign for TMPRSS2-related condition. Last evaluated: 2022-06-08. Review status: no assertion criteria provided. Collection method: clinical testing. Allele origin: germline. Not counted in ClinVar's aggregate classification.
Comment: This variant is classified as likely benign based on ACMG/AMP sequence variant interpretation guidelines (Richards et al. 2015 PMID: 25741868, with internal and published modifications).

NM_005656.4(TMPRSS2):c.82G>A (p.Ala28Thr)

Genes: TMPRSS2 (transmembrane serine protease 2; minus strand), LOC111099027 (transmembrane protease serine 2 breakpoint cluster recombination region; plus strand). Cytogenetic location: 21q22.3.
Variant type: single nucleotide variant.
Coding change: c.82G>A on transcript NM_005656.4 (MANE Select); coding-DNA position 82, G replaced by A.
Protein change: p.Ala28Thr; replaces alanine 28 with threonine.
Molecular consequence: missense variant.
Genome position (GRCh38, 1-based): chr21:41,494,512, C>T on the plus strand (G>A on the coding strand, the complement: TMPRSS2 is on the minus strand). VCF-style: chr21-41494512-C-T. GRCh37 (hg19) VCF-style: chr21-42866439-C-T.
Other names: c.193G>A, p.Ala65Thr (NM_001135099.1); c.82G>A, p.Ala28Thr (NM_001382720.1); short protein forms A28T, A65T.
Identifiers: ClinVar variation 3037176 (VCV003037176.6), dbSNP rs61735791, ClinGen allele CA10034886.